The following is an entry in ClinVar:

NM_001278116.2(L1CAM):c.3427A>G (p.Ile1143Val)

Gene: L1CAM (L1 cell adhesion molecule; minus strand). Cytogenetic location: Xq28.
Variant type: single nucleotide variant.
Coding change: c.3427A>G on transcript NM_001278116.2 (MANE Select); coding-DNA position 3427, A replaced by G.
Protein change: p.Ile1143Val; replaces isoleucine 1143 with valine.
Molecular consequence: missense variant.
Genome position (GRCh38, 1-based): chrX:153,863,913, T>C on the plus strand (A>G on the coding strand, the complement: L1CAM is on the minus strand). VCF-style: chrX-153863913-T-C. GRCh37 (hg19) VCF-style: chrX-153129368-T-C.
Other names: c.3427A>G, p.Ile1143Val (NM_000425.5, NM_024003.3); c.3412A>G, p.Ile1138Val (NM_001143963.2); short protein forms I1138V, I1143V.
Identifiers: ClinVar variation 2507165 (VCV002507165.4), dbSNP rs2520960793, ClinGen allele CA415109437.

ClinVar aggregate classification (germline): Uncertain significance (1 of 4 stars; one submission).

Submission:

GeneDx
Classification: Uncertain significance. Last evaluated: 2026-08-07. Review status: criteria provided, single submitter. Criteria: GeneDx Variant Classification Process June 2021. Collection method: clinical testing. Allele origin: germline.
Comment: Not observed at significant frequency in large population cohorts (gnomAD); In silico analysis suggests that this missense variant does not alter protein structure/function; Has not been previously published as pathogenic or benign to our knowledge